The following is an entry in ClinVar:

NM_015335.5(MED13L):c.6359C>T (p.Ala2120Val)

Gene: MED13L (mediator complex subunit 13L; minus strand). Cytogenetic location: 12q24.21.
Variant type: single nucleotide variant.
Coding change: c.6359C>T on transcript NM_015335.5 (MANE Select); coding-DNA position 6359, C replaced by T.
Protein change: p.Ala2120Val; replaces alanine 2120 with valine.
Molecular consequence: missense variant.
Genome position (GRCh38, 1-based): chr12:115,966,110, G>A on the plus strand (C>T on the coding strand, the complement: MED13L is on the minus strand). VCF-style: chr12-115966110-G-A. GRCh37 (hg19) VCF-style: chr12-116403915-G-A.
Other names: short protein forms A2120V.
Identifiers: ClinVar variation 4885715 (VCV004885715.2).
Genomic context (GRCh38, chr12:115,966,110, plus strand): 5'-CTTGCAAACTTCTAATATGACACCAAACCAACCTTTAAGAAGAGAGGGCACTGGTTTTGA[G>A]CCTGGGGACACGATGACCAAAACCACTGGGGAAGATTCTCAGCTTTGGCAGTTGATACAA-3'
Protein context (NP_056150.1, residues 2110-2130): PQWFWSSCPQ[Ala2120Val]QNQCPLFLKA

ClinVar aggregate classification (germline): Uncertain significance (1 of 4 stars; one submission).

Submission:

Dasa
Classification: Uncertain significance. Last evaluated: 2025-03-17. Review status: criteria provided, single submitter. Criteria: DASA Assertion Criteria. Collection method: clinical testing. Allele origin: germline.
Comment: NM_015335.5(MED13L):c.6359C>T (p.Ala2120Val) is a missense variant that results in the substitution of alanine with valine. This variant is absent from population databases. The currently available literature and clinical evidence are not sufficient to establish a definitive association between this variant and the reported condition. Therefore, this variant is classified as a variant of uncertain significance.